The following is an entry in ClinVar:

ClinVar aggregate classification (germline): Likely pathogenic (1 of 4 stars; one submission).

Conditions:
Fabry disease. Also called: ALPHA-GALACTOSIDASE A DEFICIENCY; ANDERSON-FABRY DISEASE; CERAMIDE TRIHEXOSIDASE DEFICIENCY; GLA DEFICIENCY; HEREDITARY DYSTOPIC LIPIDOSIS; Angiokeratoma corporis diffusum. Identifiers: Orphanet 324, MedGen C0002986, MONDO:0010526, OMIM 301500, HP:0001071. Disease mechanism: Fabry disease is due to inactivating mutations in the X-linked GLA gene resulting in deficiency of the enzyme Alpha Galactosidase-A., loss of function.

Submission:

Genomenon, Inc
Classification: Likely pathogenic for Fabry disease. Last evaluated: 2026-09-08. Review status: criteria provided, single submitter. Criteria: Genomenon Sequence Variant Interpretation Standards - Updated. Collection method: curation. Allele origin: germline. Affected: yes.
Comment: GLA p.Asn320Ile (c.959A>T) is a missense variant that changes the amino acid at codon 320 from Asparagine to Isoleucine. This variant has been observed in at least one proband with clinical features consistent with Fabry disease (PMID:32198894;36709535;39980015;37542614;33661535;19233535;31878969;19346951). At least one functional study has demonstrated a substantial alteration in protein function relative to the wild-type (PMID:32023956;22773828;27657681). It is absent or not present at a significant frequency in gnomAD. In silico models predict that this variant is possibly or probably damaging. In conclusion, we classify GLA p.Asn320Ile (c.959A>T) as a likely pathogenic variant.

Literature cited by the submitters: PubMed 32198894; PubMed 36709535; PubMed 39980015; PubMed 37542614; PubMed 33661535; PubMed 19233535; PubMed 31878969; PubMed 19346951; PubMed 32023956; PubMed 22773828; PubMed 27657681.

NM_000169.3(GLA):c.959A>T (p.Asn320Ile)

Genes: GLA (galactosidase alpha; minus strand), RPL36A-HNRNPH2 (RPL36A-HNRNPH2 readthrough; plus strand). Cytogenetic location: Xq22.1.
Variant type: single nucleotide variant.
Coding change: c.959A>T on transcript NM_000169.3 (MANE Select); coding-DNA position 959, A replaced by T.
Protein change: p.Asn320Ile; replaces asparagine 320 with isoleucine.
Molecular consequence: missense variant. On other transcripts: non-coding transcript variant (3), intron variant (2).
Genome position (GRCh38, 1-based): chrX:101,398,410, T>A on the plus strand (A>T on the coding strand, the complement: GLA is on the minus strand). VCF-style: chrX-101398410-T-A. GRCh37 (hg19) VCF-style: chrX-100653398-T-A.
Other names: c.1082A>T, p.Asn361Ile (NM_001406747.1); c.959A>T, p.Asn320Ile (NM_001406748.1); c.300+2953T>A (NM_001199973.2); c.177+6588T>A (NM_001199974.2); short protein forms N320I, N361I.
Identifiers: ClinVar variation 4087600 (VCV004087600.2), dbSNP rs869312454.